The following is an entry in ClinVar:

ClinVar aggregate classification (germline): Conflicting classifications of pathogenicity. Review status: criteria provided, conflicting classifications (1 of 4 stars). 4 submissions from 4 submitters: Uncertain significance (3); Benign (1). Last evaluated 2026-01-13.

Conditions:
Bethlem myopathy 1A. Also called: Bethlem myopathy 1; MYOPATHY, BENIGN CONGENITAL, WITH CONTRACTURES; Bethlem Muscular Dystrophy. Identifiers: Orphanet 610, MedGen CN029274, MONDO:0024530, OMIM 158810.

Allele frequency attached by ClinVar (database versions not stated): ExAC below 0.00001; gnomAD exomes 0.00001; gnomAD 0.00003; TOPMed 0.00003.
gnomAD v4.1: 24 of 1,551,232 alleles (0.0015%); highest among the groups gnomAD compares: Middle Eastern, 0.017%; no homozygotes.

Submissions (4):

Labcorp Genetics (formerly Invitae), Labcorp
Classification: Benign for Bethlem myopathy 1A. Last evaluated: 2026-01-13. Review status: criteria provided, single submitter. Criteria: Invitae Variant Classification Sherloc (09022015). Collection method: clinical testing. Allele origin: germline.

GeneDx
Classification: Uncertain significance. Last evaluated: 2024-01-25. Review status: criteria provided, single submitter. Criteria: GeneDx Variant Classification Process June 2021. Collection method: clinical testing. Allele origin: germline. Affected: yes.
Comment: In silico analysis supports that this missense variant does not alter protein structure/function; Has not been previously published as pathogenic or benign to our knowledge

Women's Health and Genetics/Laboratory Corporation of America, LabCorp
Classification: Uncertain significance. Last evaluated: 2023-10-27. Review status: criteria provided, single submitter. Criteria: LabCorp Variant Classification Summary - May 2015. Collection method: clinical testing. Allele origin: germline.
Comment: Variant summary: COL6A1 c.665G>A (p.Arg222His) results in a non-conservative amino acid change located in the von Willebrand factor, type A of the encoded protein sequence. Three of five in-silico tools predict a damaging effect of the variant on protein function. The variant allele was found at a frequency of 1.3e-05 in 155260 control chromosomes. The available data on variant occurrences in the general population are insufficient to allow any conclusion about variant significance. To our knowledge, no occurrence of c.665G>A in individuals affected with Collagen Type VI-Related Disorders and no experimental evidence demonstrating its impact on protein function have been reported. Two submitters have cited clinical-significance assessments for this variant to ClinVar after 2014. One submitter classified the variant as benign, and one submitter classified the variant as uncertain significance. Based on the evidence outlined above, the variant was classified as uncertain significance.

Eurofins Ntd Llc (ga)
Classification: Uncertain significance. Last evaluated: 2017-03-04. Review status: criteria provided, single submitter. Criteria: EGL Classification Definitions 2015. Collection method: clinical testing. Allele origin: germline. Observed: 4 variant alleles, 4 heterozygotes.

NM_001848.3(COL6A1):c.665G>A (p.Arg222His)

Gene: COL6A1 (collagen type VI alpha 1 chain; plus strand). Cytogenetic location: 21q22.3.
Variant type: single nucleotide variant.
Coding change: c.665G>A on transcript NM_001848.3 (MANE Select); coding-DNA position 665, G replaced by A.
Protein change: p.Arg222His; replaces arginine 222 with histidine.
Molecular consequence: missense variant.
Genome position (GRCh38, 1-based): chr21:45,987,020, G>A. VCF-style: chr21-45987020-G-A. GRCh37 (hg19) VCF-style: chr21-47406934-G-A.
Other names: short protein forms R222H.
Identifiers: ClinVar variation 281289 (VCV000281289.15), dbSNP rs780638665, ClinGen allele CA10069645.